The following is an entry in ClinVar:

ClinVar aggregate classification (germline): Uncertain significance. Review status: criteria provided, multiple submitters, no conflicts (2 of 4 stars). 3 submissions from 3 submitters: Uncertain significance (3). Last evaluated 2026-01-07.

Conditions:
Acute myeloid leukemia (AML). Also called: Acute myeloid leukemia, adult; AML adult; Acute non-lymphocytic leukemia; Acute granulocytic leukemia; Leukemia, acute myelogenous, somatic; Leukemia, acute myeloid, somatic. Identifiers: Orphanet 519, MedGen C0023467, MeSH D015470, MONDO:0018874, OMIM 601626, HP:0004808. Disease mechanism: Constitutively activated FLT3.
Inborn genetic diseases. Identifiers: MedGen C0950123, MeSH D030342.

Submissions (3):

Ambry Genetics
Classification: Uncertain significance for Inborn genetic diseases. Last evaluated: 2026-01-07. Review status: criteria provided, single submitter. Criteria: Ambry Variant Classification Scheme 2023. Collection method: clinical testing. Allele origin: germline.
Comment: The c.450_468del19insTGAT variant (also known as p.G151_R156delinsD), located in coding exon 1 of the CEBPA gene, results from an in-frame deletion of CGGGGCGCCGGCGCTGCGG and insertion of TGAT at nucleotide positions 450 to 468. This results in the deletion of GAPALR residues and the insertion of an aspartic acid residue at codons 151 to 160. This amino acid region is well conserved in available vertebrate species. In addition, the in silico prediction for this variant is inconclusive (Choi Y et al. PLoS ONE. 2012; 7(10):e46688). Based on the available evidence, the clinical significance of this variant remains unclear.

Labcorp Genetics (formerly Invitae), Labcorp
Classification: Uncertain significance for Acute myeloid leukemia. Last evaluated: 2024-04-10. Review status: criteria provided, single submitter. Criteria: Invitae Variant Classification Sherloc (09022015). Collection method: clinical testing. Allele origin: germline.
Comment: This variant, c.450_468delinsTGAT, is a complex sequence change that results in the deletion of 6 and insertion of 1 amino acid(s) in the CEBPA protein (p.Gly151_Arg156delinsAsp). The frequency data for this variant in the population databases is considered unreliable, as metrics indicate insufficient coverage at this position in the gnomAD database. This variant has not been reported in the literature in individuals affected with CEBPA-related conditions. Experimental studies and prediction algorithms are not available or were not evaluated, and the functional significance of this variant is currently unknown. In summary, the available evidence is currently insufficient to determine the role of this variant in disease. Therefore, it has been classified as a Variant of Uncertain Significance.

GeneDx
Classification: Uncertain significance. Last evaluated: 2023-04-21. Review status: criteria provided, single submitter. Criteria: GeneDx Variant Classification Process June 2021. Collection method: clinical testing. Allele origin: germline. Affected: yes.
Comment: Not observed at significant frequency in large population cohorts (gnomAD); In-frame deletion of 6 amino acids and insertion of 1 amino acid in a non-repeat region; In silico analysis supports that this variant does not alter protein structure/function; Has not been previously published as pathogenic or benign to our knowledge; This variant is associated with the following publications: (PMID: 21455213, 16735515)

NM_004364.5(CEBPA):c.450_468delinsTGAT (p.Gly151_Arg156delinsAsp)

Gene: CEBPA (CCAAT enhancer binding protein alpha; minus strand). Cytogenetic location: 19q13.11.
Variant type: Indel.
Coding change: c.450_468delinsTGAT on transcript NM_004364.5 (MANE Select); coding-DNA positions 450 to 468, CGGGGCGCCGGCGCTGCGG replaced by TGAT.
Protein change: p.Gly151_Arg156delinsAsp.
Molecular consequence: inframe indel.
Genome position (GRCh38, 1-based): chr19:33,301,947-33,301,965, CCGCAGCGCCGGCGCCCCG replaced by ATCA on the plus strand (CGGGGCGCCGGCGCTGCGG replaced by TGAT on the coding strand, the reverse complement: CEBPA is on the minus strand). VCF-style: chr19-33301947-CCGCAGCGCCGGCGCCCCG-ATCA. GRCh37 (hg19) VCF-style: chr19-33792853-CCGCAGCGCCGGCGCCCCG-ATCA.
Other names: c.450_468delinsTGAT (NM_004364.3); c.93_111delinsTGAT, p.Gly32_Arg37delinsAsp (NM_001285829.2); c.555_573delinsTGAT, p.Gly186_Arg191delinsAsp (NM_001287424.2); c.408_426delinsTGAT, p.Gly137_Arg142delinsAsp (NM_001287435.2); c.450_468del19insTGAT (NM_004364.3).
Identifiers: ClinVar variation 2662667 (VCV002662667.5), dbSNP rs1967182998, ClinGen allele CA1139666394.
Genomic context (GRCh38, chr19:33,301,947, plus strand): 5'-GGCCAGCGCCAGCTGCTTGGCTTCATCCTCCTCGCGGGGCTCCTGCTTGATCACCAGCGG[CCGCAGCGCCGGCGCCCCG>ATCA]ACGCGCTCGTACAGGGGCTCCAGCCTGCCGTCCAGGTAGCCGGCGGCCGCGCAGCCGTAG-3'